The following is an entry in ClinVar:

NM_005989.4(AKR1D1):c.262-7C>A

Gene: AKR1D1 (aldo-keto reductase family 1 member D1; plus strand). Cytogenetic location: 7q33.
Variant type: single nucleotide variant.
Coding change: c.262-7C>A on transcript NM_005989.4 (MANE Select); 7 bases into the intron before coding-DNA position 262, C replaced by A.
Molecular consequence: intron variant.
Genome position (GRCh38, 1-based): chr7:138,091,761, C>A. VCF-style: chr7-138091761-C-A. GRCh37 (hg19) VCF-style: chr7-137776507-C-A.
Other names: c.262-7C>A (NM_001190907.2, NM_001190906.2).
Identifiers: ClinVar variation 358953 (VCV000358953.18), dbSNP rs144365681, ClinGen allele CA4502641.
Genomic context (GRCh38, chr7:138,091,761, plus strand): 5'-AAAAGGGGCTGCCTTATCGTAAAAAGCGTGTAGACATTAGTTAATTCTCCCTCTTTGATT[C>A]TTTCAGCTATGGGCTACAAATCATGTCCCAGAGATGGTCCGCCCAACCCTGGAGAGGACA-3'

ClinVar aggregate classification (germline): Benign/Likely benign. Review status: criteria provided, multiple submitters, no conflicts (2 of 4 stars). 4 submissions from 4 submitters: Benign (1); Likely benign (3). Last evaluated 2026-01-08.

Conditions:
Congenital bile acid synthesis defect 2 (CBAS2). Also called: CHOLESTASIS WITH DELTA(4)-3-OXOSTEROID 5-BETA-REDUCTASE DEFICIENCY. Identifiers: Orphanet 79303, MedGen C1856127, MONDO:0009339, OMIM 235555.

Allele frequency attached by ClinVar (database versions not stated): gnomAD 0.00021 and 0.00029; TOPMed 0.00032; ExAC 0.00052; 1000 Genomes Project 0.00220; 1000 Genomes Project 30x 0.00234.
gnomAD v4.1: 235 of 1,596,458 alleles (0.015%); highest among the groups gnomAD compares: East Asian, 0.34%; no homozygotes.

Submissions (6):

Labcorp Genetics (formerly Invitae), Labcorp
Classification: Benign. Last evaluated: 2026-01-08. Review status: criteria provided, single submitter. Criteria: Invitae Variant Classification Sherloc (09022015). Collection method: clinical testing. Allele origin: germline.

Blueprint Genetics
Classification: Likely benign. Last evaluated: 2024-11-01. Review status: criteria provided, single submitter. Criteria: ACMG Guidelines, 2015. Collection method: clinical testing. Allele origin: germline.

Illumina Laboratory Services, Illumina
Classification: Likely benign for Congenital bile acid synthesis defect 2. Last evaluated: 2018-01-13. Review status: criteria provided, single submitter. Criteria: ICSL Variant Classification Criteria 13 December 2019. Collection method: clinical testing. Allele origin: germline.
Comment: This variant was observed in the ICSL laboratory as part of a predisposition screen in an ostensibly healthy population. It had not been previously curated by ICSL or reported in the Human Gene Mutation Database (HGMD: prior to June 1st, 2018), and was therefore a candidate for classification through an automated scoring system. Utilizing variant allele frequency, disease prevalence and penetrance estimates, and inheritance mode, an automated score was calculated to assess if this variant is too frequent to cause the disease. Based on the score and internal cut-off values, a variant classified as likely benign is not then subjected to further curation. The score for this variant resulted in a classification of likely benign for this disease.

Eurofins Ntd Llc (ga)
Classification: Likely benign. Last evaluated: 2017-11-10. Review status: criteria provided, single submitter. Criteria: EGL Classification Definitions 2015. Collection method: clinical testing. Allele origin: germline. Observed: 1 variant allele, 1 heterozygote.

Dr. Peter K. Rogan Lab, Western University
No classification provided (evidence only). Condition: Uterine corpus endometrial carcinoma. Review status: no classification provided. Collection method: in vitro. Allele origin: not applicable. Functional consequence: retained intron. Not counted in ClinVar's aggregate classification.

Dr. Peter K. Rogan Lab, Western University
No classification provided (evidence only). Condition: Malignant tumor of esophagus. Review status: no classification provided. Collection method: in vitro. Allele origin: not applicable. Functional consequence: retained intron. Not counted in ClinVar's aggregate classification.